The following is an entry in ClinVar:

NM_001370704.1(APOLTP):c.5990_5991del (p.Ala1997fs)

Gene: APOLTP (apolipoprotein lipid transfer particle homolog; minus strand). Cytogenetic location: 16p13.13.
Variant type: Microsatellite.
Coding change: c.5990_5991del on transcript NM_001370704.1 (MANE Select); coding-DNA positions 5990 to 5991, 2 bases deleted (CG; older notation c.5990_5991delCG).
Protein change: p.Ala1997fs; shifts the reading frame from alanine 1997.
Molecular consequence: frameshift variant.
Genome position (GRCh38, 1-based): chr16:11,424,262-11,424,263, CG deleted on the plus strand (CG on the coding strand, the reverse complement: APOLTP is on the minus strand); deleting any 2 consecutive bases within chr16:11,424,262-11,424,265 gives the same sequence; the c. name uses the placement nearest the transcript's 3' end. VCF-style (leftmost placement, unchanged base first): chr16-11424261-CCG-C. GRCh37 (hg19) VCF-style: chr16-11518117-CCG-C.
Other names: c.5990_5991del, p.Ala1997fs (NM_001395505.1); short protein forms A1997fs.
Identifiers: ClinVar variation 3905281 (VCV003905281.10).
Genomic context (GRCh38, chr16:11,424,261, plus strand): 5'-GGAGGCCCGAGGACTCGGGGGTCACGTCCTCCAGGCCAATGGCACCGTCTAGCTGAGCCC[CCG>C]CGTTCCACAGCGCCAGGCGTGCTGAGCAGTTGGAAGCCACGTGGGTGAGAGACAGGAGCA-3'

ClinVar aggregate classification (germline): Likely benign (1 of 4 stars; one submission).

Submission:

CeGaT Center for Human Genetics Tuebingen
Classification: Likely benign. Last evaluated: 2025-05-01. Review status: criteria provided, single submitter. Criteria: CeGaT Center For Human Genetics Tuebingen Variant Classification Criteria Version 2. Collection method: clinical testing. Allele origin: germline. Affected: yes. Observed: 1 variant allele.
Comment: LOC400499: BS2